The following is an entry in ClinVar:

NM_005876.5(SPEG):c.5102G>A (p.Arg1701Gln)

Gene: SPEG (striated muscle enriched protein kinase; plus strand). Cytogenetic location: 2q35.
Variant type: single nucleotide variant.
Coding change: c.5102G>A on transcript NM_005876.5 (MANE Select); coding-DNA position 5102, G replaced by A.
Protein change: p.Arg1701Gln; replaces arginine 1701 with glutamine.
Molecular consequence: missense variant.
Genome position (GRCh38, 1-based): chr2:219,479,799, G>A. VCF-style: chr2-219479799-G-A. GRCh37 (hg19) VCF-style: chr2-220344521-G-A.
Other names: short protein forms R1701Q.
Identifiers: ClinVar variation 1515379 (VCV001515379.6), dbSNP rs780393309, ClinGen allele CA2126742.

ClinVar aggregate classification (germline): Uncertain significance. Review status: criteria provided, multiple submitters, no conflicts (2 of 4 stars). 2 submissions from 2 submitters: Uncertain significance (2). Last evaluated 2026-09-21.

Allele frequency attached by ClinVar (database versions not stated): TOPMed 0.00005; gnomAD exomes 0.00009; gnomAD 0.00001; ExAC 0.00005.
gnomAD v4.1: 33 of 1,613,806 alleles (0.002%); highest among the groups gnomAD compares: Admixed American, 0.038%; no homozygotes.

Submissions (2):

GeneDx
Classification: Uncertain significance. Last evaluated: 2026-09-21. Review status: criteria provided, single submitter. Criteria: GeneDx Variant Classification Process June 2021. Collection method: clinical testing. Allele origin: germline.
Comment: In silico analysis supports that this missense variant has a deleterious effect on protein structure/function; Has not been previously published as pathogenic or benign to our knowledge

Labcorp Genetics (formerly Invitae), Labcorp
Classification: Uncertain significance. Last evaluated: 2026-02-01. Review status: criteria provided, single submitter. Criteria: Invitae Variant Classification Sherloc (09022015). Collection method: clinical testing. Allele origin: germline.
Comment: This sequence change replaces arginine, which is basic and polar, with glutamine, which is neutral and polar, at codon 1701 of the SPEG protein (p.Arg1701Gln). This variant is present in population databases (rs780393309, gnomAD 0.06%). This variant has not been reported in the literature in individuals affected with SPEG-related conditions. ClinVar contains an entry for this variant (Variation ID: 1515379). An algorithm developed to predict the effect of missense changes on protein structure and function outputs the following: PolyPhen-2: "Benign". The glutamine amino acid residue is found in multiple mammalian species, which suggests that this missense change does not adversely affect protein function. In summary, the available evidence is currently insufficient to determine the role of this variant in disease. Therefore, it has been classified as a Variant of Uncertain Significance.